The following is an entry in ClinVar:

NM_172240.3(POC1B):c.1358T>A (p.Leu453Gln)

Genes: POC1B (POC1 centriolar protein B; minus strand), POC1B-DUSP6 (POC1B-DUSP6 readthrough; minus strand). Cytogenetic location: 12q21.33.
Variant type: single nucleotide variant.
Coding change: c.1358T>A on transcript NM_172240.3 (MANE Select); coding-DNA position 1358, T replaced by A.
Protein change: p.Leu453Gln; replaces leucine 453 with glutamine.
Molecular consequence: missense variant. On other transcripts: non-coding transcript variant (2).
Genome position (GRCh38, 1-based): chr12:89,421,232, A>T on the plus strand (T>A on the coding strand, the complement: POC1B is on the minus strand). VCF-style: chr12-89421232-A-T. GRCh37 (hg19) VCF-style: chr12-89815009-A-T.
Other names: c.1232T>A, p.Leu411Gln (NM_001199777.2); c.1358T>A (NM_172240.2); short protein forms L411Q, L453Q.
Identifiers: ClinVar variation 1494806 (VCV001494806.9), dbSNP rs143659653, ClinGen allele CA6714183.

ClinVar aggregate classification (germline): Uncertain significance. Review status: criteria provided, multiple submitters, no conflicts (2 of 4 stars). 3 submissions from 3 submitters: Uncertain significance (3). Last evaluated 2024-10-15.

Conditions:
Inborn genetic diseases. Identifiers: MedGen C0950123, MeSH D030342.

Allele frequency attached by ClinVar (database versions not stated): gnomAD exomes 0.00003; gnomAD 0.00004; ExAC 0.00006; ESP Exome Variant Server 0.00008.
gnomAD v4.1: 30 of 1,600,552 alleles (0.0019%); highest among the groups gnomAD compares: Non-Finnish European, 0.0025%; no homozygotes.

Submissions (3):

Labcorp Genetics (formerly Invitae), Labcorp
Classification: Uncertain significance. Last evaluated: 2024-10-15. Review status: criteria provided, single submitter. Criteria: Invitae Variant Classification Sherloc (09022015). Collection method: clinical testing. Allele origin: germline.
Comment: This sequence change replaces leucine, which is neutral and non-polar, with glutamine, which is neutral and polar, at codon 453 of the POC1B protein (p.Leu453Gln). This variant is present in population databases (rs143659653, gnomAD 0.007%). This variant has not been reported in the literature in individuals affected with POC1B-related conditions. ClinVar contains an entry for this variant (Variation ID: 1494806). An algorithm developed to predict the effect of missense changes on protein structure and function (PolyPhen-2) suggests that this variant is likely to be disruptive. In summary, the available evidence is currently insufficient to determine the role of this variant in disease. Therefore, it has been classified as a Variant of Uncertain Significance.

Blueprint Genetics
Classification: Uncertain significance. Last evaluated: 2024-08-13. Review status: criteria provided, single submitter. Criteria: ACMG Guidelines, 2015. Collection method: clinical testing. Allele origin: germline.

Ambry Genetics
Classification: Uncertain significance for Inborn genetic diseases. Last evaluated: 2021-11-01. Review status: criteria provided, single submitter. Criteria: Ambry Variant Classification Scheme 2023. Collection method: clinical testing. Allele origin: germline.